The following is an entry in ClinVar:

ClinVar aggregate classification (germline): Uncertain significance. Review status: criteria provided, multiple submitters, no conflicts (2 of 4 stars). 5 submissions from 5 submitters: Uncertain significance (5). Last evaluated 2025-05-21.

Conditions:
Cardiovascular phenotype. Identifiers: MedGen CN230736.
Arrhythmogenic right ventricular dysplasia 2. Identifiers: MedGen C1832931.
Catecholaminergic polymorphic ventricular tachycardia 1. Also called: VENTRICULAR TACHYCARDIA, CATECHOLAMINERGIC POLYMORPHIC, 1, WITH OR WITHOUT ATRIAL DYSFUNCTION AND/OR DILATED CARDIOMYOPATHY; RYR2-Related Catecholaminergic Polymorphic Ventricular Tachycardia; VENTRICULAR TACHYCARDIA, STRESS-INDUCED POLYMORPHIC 1. Identifiers: Orphanet 3286, MedGen C1631597, MONDO:0011484, OMIM 604772.
Ventricular arrhythmias due to cardiac ryanodine receptor calcium release deficiency syndrome. Also called: Autosomal dominant cardiac arrhythmia (Kuhn). Identifiers: MedGen C5542154, MONDO:0020745, OMIM 115000.
Cardiomyopathy (CMYO). Also called: Cardiomyopathies. Identifiers: Orphanet 167848, MedGen C0878544, MONDO:0004994, HP:0001638. Inheritance: Various modes of inheritance.

Allele frequency attached by ClinVar (database versions not stated): gnomAD exomes 0.00001 and 0.00002; TOPMed 0.00002.
gnomAD v4.1: 7 of 1,607,100 alleles (0.00044%); highest among the groups gnomAD compares: Admixed American, 0.012%; no homozygotes.

Submissions (5):

Ambry Genetics
Classification: Uncertain significance for Cardiovascular phenotype. Last evaluated: 2025-05-21. Review status: criteria provided, single submitter. Criteria: Ambry Variant Classification Scheme 2023. Collection method: clinical testing. Allele origin: germline.
Comment: The c.4161-5T>C intronic variant results from a T to C substitution 5 nucleotides upstream from coding exon 32 in the RYR2 gene. This nucleotide position is highly conserved in available vertebrate species. In silico splice site analysis for this alteration is inconclusive. Since supporting evidence is limited at this time, the clinical significance of this alteration remains unclear.

Color Diagnostics, LLC DBA Color Health
Classification: Uncertain significance for Cardiomyopathy. Last evaluated: 2025-05-09. Review status: criteria provided, single submitter. Criteria: ACMG Guidelines, 2015. Collection method: clinical testing. Allele origin: germline.
Comment: This variant causes a T to C nucleotide substitution at the -5 position of intron 31 of the RYR2 gene. Splice site prediction tools are inconclusive regarding the impact of this variant on RNA splicing. To our knowledge, RNA studies have not been reported for this variant. This variant has not been reported in individuals affected with RYR2-related disorders in the literature. This variant has been identified in 6/244614 chromosomes in the general population by the Genome Aggregation Database (gnomAD). The available evidence is insufficient to determine the role of this variant in disease conclusively. Therefore, this variant is classified as a Variant of Uncertain Significance.

GeneDx
Classification: Uncertain significance. Last evaluated: 2025-03-24. Review status: criteria provided, single submitter. Criteria: GeneDx Variant Classification Process June 2021. Collection method: clinical testing. Allele origin: germline. Affected: yes.
Comment: Has not been previously published as pathogenic or benign to our knowledge; In silico analysis suggests this variant may impact gene splicing. In the absence of RNA/functional studies, the actual effect of this sequence change is unknown.

Labcorp Genetics (formerly Invitae), Labcorp
Classification: Uncertain significance for Catecholaminergic polymorphic ventricular tachycardia 1. Last evaluated: 2025-03-18. Review status: criteria provided, single submitter. Criteria: Invitae Variant Classification Sherloc (09022015). Collection method: clinical testing. Allele origin: germline.
Comment: This sequence change falls in intron 31 of the RYR2 gene. It does not directly change the encoded amino acid sequence of the RYR2 protein. This variant is present in population databases (no rsID available, gnomAD 0.02%). This variant has not been reported in the literature in individuals affected with RYR2-related conditions. ClinVar contains an entry for this variant (Variation ID: 918855). Algorithms developed to predict the effect of sequence changes on RNA splicing suggest that this variant may disrupt the consensus splice site. In summary, the available evidence is currently insufficient to determine the role of this variant in disease. Therefore, it has been classified as a Variant of Uncertain Significance.

Fulgent Genetics
Classification: Uncertain significance for Ventricular arrhythmias due to cardiac ryanodine receptor calcium release deficiency syndrome; Catecholaminergic polymorphic ventricular tachycardia 1. Last evaluated: 2021-10-04. Review status: criteria provided, single submitter. Criteria: ACMG Guidelines, 2015. Collection method: clinical testing. Allele origin: unknown.

NM_001035.3(RYR2):c.4161-5T>C

Gene: RYR2 (ryanodine receptor 2; plus strand). Cytogenetic location: 1q43.
Variant type: single nucleotide variant.
Coding change: c.4161-5T>C on transcript NM_001035.3 (MANE Select); 5 bases into the intron before coding-DNA position 4161, T replaced by C.
Molecular consequence: intron variant.
Genome position (GRCh38, 1-based): chr1:237,591,734, T>C. VCF-style: chr1-237591734-T-C. GRCh37 (hg19) VCF-style: chr1-237755034-T-C.
Other names: c.4161-5T>C (NM_001035.2).
Identifiers: ClinVar variation 918855 (VCV000918855.15), dbSNP rs1416816823, ClinGen allele CA529546160.